The following is an entry in ClinVar:

NM_001754.5(RUNX1):c.1348A>G (p.Ser450Gly)

Gene: RUNX1 (RUNX family transcription factor 1; minus strand). Cytogenetic location: 21q22.12.
Variant type: single nucleotide variant.
Coding change: c.1348A>G on transcript NM_001754.5 (MANE Select); coding-DNA position 1348, A replaced by G.
Protein change: p.Ser450Gly; replaces serine 450 with glycine.
Molecular consequence: missense variant.
Genome position (GRCh38, 1-based): chr21:34,792,230, T>C on the plus strand (A>G on the coding strand, the complement: RUNX1 is on the minus strand). VCF-style: chr21-34792230-T-C. GRCh37 (hg19) VCF-style: chr21-36164527-T-C.
Other names: c.1267A>G, p.Ser423Gly (NM_001001890.3); short protein forms S450G, S423G.
Identifiers: ClinVar variation 4158209 (VCV004158209.1).
Genomic context (GRCh38, chr21:34,792,230, plus strand): 5'-CGGAGGGCGCCATGTTGGTGGGGGAGTTGCTGTGGCTGCCCTCGGCCTCCACCACGTCGC[T>C]CTGGTTCGGGAGGCTGGGGTTGAGCAGCGCGGAGCCGGTGGAGGCGTTGGTGCAGGGCGG-3'
Protein context (NP_001745.2, residues 440-460): ALLNPSLPNQ[Ser450Gly]DVVEAEGSHS

ClinVar aggregate classification (germline): Uncertain significance (1 of 4 stars; one submission).

Conditions:
Inborn genetic diseases. Identifiers: MedGen C0950123, MeSH D030342.

Submission:

Ambry Genetics
Classification: Uncertain significance for Inborn genetic diseases. Last evaluated: 2025-07-19. Review status: criteria provided, single submitter. Criteria: Ambry Variant Classification Scheme 2023. Collection method: clinical testing. Allele origin: germline.
Comment: The p.S450G variant (also known as c.1348A>G), located in coding exon 8 of the RUNX1 gene, results from an A to G substitution at nucleotide position 1348. The serine at codon 450 is replaced by glycine, an amino acid with similar properties. This amino acid position is conserved. In addition, this alteration is predicted to be tolerated by in silico analysis. Based on the available evidence, the clinical significance of this variant remains unclear.